The following is an entry in ClinVar:

ClinVar aggregate classification (germline): Uncertain significance (1 of 4 stars; one submission).

Allele frequency attached by ClinVar (database versions not stated): gnomAD 0.00003; TOPMed 0.00005; ExAC 0.00007; ESP Exome Variant Server 0.00015.
gnomAD v4.1: 96 of 1,613,638 alleles (0.0059%); highest among the groups gnomAD compares: Middle Eastern, 0.016%; no homozygotes.

Submission:

Labcorp Genetics (formerly Invitae), Labcorp
Classification: Uncertain significance. Last evaluated: 2025-10-20. Review status: criteria provided, single submitter. Criteria: Invitae Variant Classification Sherloc (09022015). Collection method: clinical testing. Allele origin: germline.
Comment: This sequence change replaces aspartic acid, which is acidic and polar, with asparagine, which is neutral and polar, at codon 2877 of the HMCN1 protein (p.Asp2877Asn). This variant is present in population databases (rs148307758, gnomAD 0.01%). This variant has not been reported in the literature in individuals affected with HMCN1-related conditions. ClinVar contains an entry for this variant (Variation ID: 1973730). An algorithm developed to predict the effect of missense changes on protein structure and function (PolyPhen-2) suggests that this variant is likely to be disruptive. In summary, the available evidence is currently insufficient to determine the role of this variant in disease. Therefore, it has been classified as a Variant of Uncertain Significance.

NM_031935.3(HMCN1):c.8629G>A (p.Asp2877Asn)

Gene: HMCN1 (hemicentin 1; plus strand). Cytogenetic location: 1q31.1.
Variant type: single nucleotide variant.
Coding change: c.8629G>A on transcript NM_031935.3 (MANE Select); coding-DNA position 8629, G replaced by A.
Protein change: p.Asp2877Asn; replaces aspartic acid 2877 with asparagine.
Molecular consequence: missense variant.
Genome position (GRCh38, 1-based): chr1:186,081,236, G>A. VCF-style: chr1-186081236-G-A. GRCh37 (hg19) VCF-style: chr1-186050368-G-A.
Other names: short protein forms D2877N.
Identifiers: ClinVar variation 1973730 (VCV001973730.5), dbSNP rs148307758, ClinGen allele CA1293184.